The following is an entry in ClinVar:

NM_001267550.2(TTN):c.89503+5G>T

Genes: TTN (titin; minus strand), TTN-AS1 (TTN antisense RNA 1; plus strand). Cytogenetic location: 2q31.2.
Variant type: single nucleotide variant.
Coding change: c.89503+5G>T on transcript NM_001267550.2 (MANE Select); 5 bases into the intron after coding-DNA position 89503, G replaced by T.
Molecular consequence: intron variant.
Genome position (GRCh38, 1-based): chr2:178,553,497, C>A on the plus strand (G>T on the coding strand, the complement: TTN is on the minus strand). VCF-style: chr2-178553497-C-A. GRCh37 (hg19) VCF-style: chr2-179418224-C-A.
Other names: c.62308+5G>T (NM_003319.4); c.62884+5G>T (NM_133437.4); c.62683+5G>T (NM_133432.3); c.81799+5G>T (NM_133378.4); c.84580+5G>T (NM_001256850.1).
Identifiers: ClinVar variation 1401016 (VCV001401016.8), dbSNP rs2154152059, ClinGen allele CA2573133736.
Genomic context (GRCh38, chr2:178,553,497, plus strand): 5'-CAAAAAAGAGTGATTTCCTGGAAGTATGCTTATTAAAAAACATAATCAAACCAGTAGGTA[C>A]ATACCAAGTATATCTTTAGCTTGTACAGGTTCATTCATTTCTATAGGTTCTCCTTGTCCA-3'

ClinVar aggregate classification (germline): Uncertain significance (1 of 4 stars; one submission).

Conditions:
Dilated cardiomyopathy 1G (CMD1G). Identifiers: Orphanet 154, MedGen C1858763, MONDO:0011400, OMIM 604145.
Autosomal recessive limb-girdle muscular dystrophy type 2J (LGMDR10). Also called: Limb-girdle muscular dystrophy, type 2J; MUSCULAR DYSTROPHY, LIMB-GIRDLE, AUTOSOMAL RECESSIVE 10. Identifiers: Orphanet 140922, MedGen C1837342, MONDO:0012127, OMIM 608807.

Submission:

Labcorp Genetics (formerly Invitae), Labcorp
Classification: Uncertain significance for Dilated cardiomyopathy 1G; Autosomal recessive limb-girdle muscular dystrophy type 2J. Last evaluated: 2020-12-29. Review status: criteria provided, single submitter. Criteria: Invitae Variant Classification Sherloc (09022015). Collection method: clinical testing. Allele origin: germline.
Comment: This variant is not present in population databases (ExAC no frequency). This sequence change falls in intron 334 of the TTN gene. It does not directly change the encoded amino acid sequence of the TTN protein. It affects a nucleotide within the consensus splice site of the intron. This variant has not been reported in the literature in individuals with TTN-related conditions. This variant is located in the A band of TTN (PMID: 25589632). Variants in this region may be relevant for cardiac or neuromuscular disorders (PMID: 25589632, 23975875). In summary, the available evidence is currently insufficient to determine the role of this variant in disease. Therefore, it has been classified as a Variant of Uncertain Significance. Nucleotide substitutions within the consensus splice site are a relatively common cause of aberrant splicing (PMID: 17576681, 9536098). Algorithms developed to predict the effect of sequence changes on RNA splicing suggest that this variant may disrupt the consensus splice site, but this prediction has not been confirmed by published transcriptional studies.

Literature cited by the submitters: PubMed 25589632; PubMed 23975875; PubMed 17576681; PubMed 9536098.